The following is an entry in ClinVar:

ClinVar aggregate classification (germline): Uncertain significance (1 of 4 stars; one submission).

Submission:

ISCA site 14
Classification: Uncertain significance. Last evaluated: 2011-08-12. Review status: criteria provided, single submitter. Criteria: Kaminsky et al. (Genet Med. 2011). Collection method: clinical testing. Allele origin: paternal. Affected: yes. Observed: 1 variant allele.
Comment: Copy number variation identified through the course of routine clinical cytogenomic testing in postnatal populations. Clinical assertions have been curated as described in Kaminsky et al. 2011.

GRCh38/hg38 5q15(chr5:97716206-98876426)x3

Genes: CHD1 (chromodomain helicase DNA binding protein 1; minus strand), LINC01846 (long intergenic non-protein coding RNA 1846; minus strand), LINC02234 (long intergenic non-protein coding RNA 2234; plus strand), RGMB (repulsive guidance molecule BMP co-receptor b; plus strand), RGMB-AS1 (RGMB antisense RNA 1; minus strand) and 7 more. Cytogenetic location: 5q15.
Variant type: copy number gain.
Change: copy number 3 (three copies instead of two) of chr5:97,716,206-98,876,426 (1.16 Mb, GRCh38 coordinates, 1-based), cytogenetic band 5q15.
Identifiers: ClinVar variation 59445 (VCV000059445.1).